The following is an entry in ClinVar:

NM_001367233.3(HEPH):c.2295T>C (p.Tyr765=)

Gene: HEPH (hephaestin; plus strand). Cytogenetic location: Xq12.
Variant type: single nucleotide variant.
Coding change: c.2295T>C on transcript NM_001367233.3 (MANE Select); coding-DNA position 2295, T replaced by C.
Protein change: p.Tyr765=; no amino-acid change (tyrosine 765 retained).
Molecular consequence: synonymous variant. On other transcripts: non-coding transcript variant (3).
Genome position (GRCh38, 1-based): chrX:66,207,198, T>C. VCF-style: chrX-66207198-T-C. GRCh37 (hg19) VCF-style: chrX-65427040-T-C.
Other names: c.2295T>C, p.Tyr765= (NM_001130860.6, NM_001367232.3, NM_001367234.3 and 3 more transcripts); c.1719T>C, p.Tyr573= (NM_001282141.3, NM_001367243.3); c.2289T>C, p.Tyr763= (NM_001367236.3); c.2082T>C, p.Tyr694= (NM_001367238.3, NM_001367239.3); c.1494T>C, p.Tyr498= (NM_001367242.2, NM_014799.4).
Identifiers: ClinVar variation 3256827 (VCV003256827.2).

ClinVar aggregate classification (germline): Benign (1 of 4 stars; one submission).

gnomAD v4.1: 285,249 of 1,200,802 alleles (24%); highest among the groups gnomAD compares: African/African-American, 87%; 33,710 homozygotes.

Submission:

Unidad de Genómica Garrahan, Hospital de Pediatría Garrahan
Classification: Benign. Last evaluated: 2024-07-31. Review status: criteria provided, single submitter. Criteria: ACMG Guidelines, 2015. Collection method: clinical testing. Allele origin: germline. Affected: no. Observed: 24 variant alleles.
Comment: This variant is classified as Benign based on local population frequency. This variant was detected in 26% of patients studied in a panel designed for Epileptic and Developmental Encephalopathy, Progressive Myoclonus Epilepsy and Abnormal Movements and Neurodegeneration with brain iron accumulation. Number of patients: 24. Only high quality variants are reported.